The following is an entry in ClinVar:

NM_013254.4(TBK1):c.722del (p.Lys241fs)

Gene: TBK1 (TANK binding kinase 1; plus strand). Cytogenetic location: 12q14.2.
Variant type: Deletion.
Coding change: c.722del on transcript NM_013254.4 (MANE Select); coding-DNA position 722, one base deleted (A; older notation c.722delA).
Protein change: p.Lys241fs; shifts the reading frame from lysine 241.
Molecular consequence: frameshift variant.
Genome position (GRCh38, 1-based): chr12:64,480,032, A deleted; the last of 3 consecutive A bases (chr12:64,480,030-64,480,032); deleting any one gives the same sequence. VCF-style (leftmost placement, unchanged base first): chr12-64480029-GA-G. GRCh37 (hg19) VCF-style: chr12-64873809-GA-G.
Other names: short protein forms K241fs.
Identifiers: ClinVar variation 2864297 (VCV002864297.3), dbSNP rs2539510971, ClinGen allele CA2739272137.
Genomic context (GRCh38, chr12:64,480,029, plus strand): 5'-AAAAATGAACTGCTTATTTTATTCTGCTTTTGTTCCTCCCAAGGTATAAAATAATTACAG[GA>G]AAGCCTTCTGGTGCAATATCTGGAGTACAGAAAGCAGAAAATGGACCAATTGACTGGAGT-3'

ClinVar aggregate classification (germline): Pathogenic (1 of 4 stars; one submission).

Conditions:
Frontotemporal dementia and/or amyotrophic lateral sclerosis 4. Also called: FTDALS4. Identifiers: Orphanet 275872, MedGen C4225325, MONDO:0014641, OMIM 616439.

Submission:

Labcorp Genetics (formerly Invitae), Labcorp
Classification: Pathogenic for Frontotemporal dementia and/or amyotrophic lateral sclerosis 4. Last evaluated: 2023-05-15. Review status: criteria provided, single submitter. Criteria: Invitae Variant Classification Sherloc (09022015). Collection method: clinical testing. Allele origin: germline.
Comment: For these reasons, this variant has been classified as Pathogenic. This variant has not been reported in the literature in individuals affected with TBK1-related conditions. This variant is not present in population databases (gnomAD no frequency). This sequence change creates a premature translational stop signal (p.Lys241Serfs*70) in the TBK1 gene. It is expected to result in an absent or disrupted protein product. Loss-of-function variants in TBK1 are known to be pathogenic (PMID: 25803835, 26476236, 26581300).

Literature cited by the submitters: PubMed 25803835; PubMed 26476236; PubMed 26581300.